The following is an entry in ClinVar:

NM_006303.4(AIMP2):c.776T>C (p.Met259Thr)

Genes: AIMP2 (aminoacyl tRNA synthetase complex interacting multifunctional protein 2; plus strand), EIF2AK1 (eukaryotic translation initiation factor 2 alpha kinase 1; minus strand). Cytogenetic location: 7p22.1.
Variant type: single nucleotide variant.
Coding change: c.776T>C on transcript NM_006303.4 (MANE Select); coding-DNA position 776, T replaced by C.
Protein change: p.Met259Thr; replaces methionine 259 with threonine.
Molecular consequence: missense variant. On other transcripts: 3 prime UTR variant (2).
Genome position (GRCh38, 1-based): chr7:6,023,504, T>C. VCF-style: chr7-6023504-T-C. GRCh37 (hg19) VCF-style: chr7-6063135-T-C.
Other names: c.*1169A>G (NM_001134335.2, NM_014413.4); c.656T>C, p.Met219Thr (NM_001326606.2); c.569T>C, p.Met190Thr (NM_001326607.2); c.542T>C, p.Met181Thr (NM_001326609.2, NM_001326610.2, NM_001326611.3); c.689T>C, p.Met230Thr (NM_001362785.2); c.644T>C, p.Met215Thr (NM_001362787.2); short protein forms M219T, M181T, M259T, M190T, M215T, M230T.
Identifiers: ClinVar variation 1364385 (VCV001364385.8), dbSNP rs1250422075, ClinGen allele CA366748078.

ClinVar aggregate classification (germline): Uncertain significance (1 of 4 stars; one submission).

Allele frequency attached by ClinVar (database versions not stated): TOPMed below 0.00001; gnomAD 0.00001; gnomAD exomes 0.00001.
gnomAD v4.1: 18 of 1,614,094 alleles (0.0011%); highest among the groups gnomAD compares: Non-Finnish European, 0.0014%; no homozygotes.

Submission:

Labcorp Genetics (formerly Invitae), Labcorp
Classification: Uncertain significance. Last evaluated: 2025-02-24. Review status: criteria provided, single submitter. Criteria: Invitae Variant Classification Sherloc (09022015). Collection method: clinical testing. Allele origin: germline.
Comment: This sequence change replaces methionine, which is neutral and non-polar, with threonine, which is neutral and polar, at codon 259 of the AIMP2 protein (p.Met259Thr). This variant is present in population databases (no rsID available, gnomAD 0.002%). This variant has not been reported in the literature in individuals affected with AIMP2-related conditions. ClinVar contains an entry for this variant (Variation ID: 1364385). An algorithm developed to predict the effect of missense changes on protein structure and function (PolyPhen-2) suggests that this variant is likely to be disruptive. In summary, the available evidence is currently insufficient to determine the role of this variant in disease. Therefore, it has been classified as a Variant of Uncertain Significance.